The following is an entry in ClinVar:

NM_001347721.2(DYRK1A):c.1223C>T (p.Pro408Leu)

Gene: DYRK1A (dual specificity tyrosine phosphorylation regulated kinase 1A; plus strand). Cytogenetic location: 21q22.13.
Variant type: single nucleotide variant.
Coding change: c.1223C>T on transcript NM_001347721.2 (MANE Select); coding-DNA position 1223, C replaced by T.
Protein change: p.Pro408Leu; replaces proline 408 with leucine.
Molecular consequence: missense variant.
Genome position (GRCh38, 1-based): chr21:37,505,293, C>T. VCF-style: chr21-37505293-C-T. GRCh37 (hg19) VCF-style: chr21-38877596-C-T.
Other names: c.1223C>T, p.Pro408Leu (NM_001347722.2, NM_130436.2); c.1136C>T, p.Pro379Leu (NM_001347723.2); c.1250C>T, p.Pro417Leu (NM_001396.5, NM_101395.2, NM_130438.2); short protein forms P379L, P417L, P408L.
Identifiers: ClinVar variation 4766563 (VCV004766563.1).

ClinVar aggregate classification (germline): Uncertain significance (1 of 4 stars; one submission).

Conditions:
DYRK1A-related intellectual disability syndrome (MRD7). Also called: DYRK1A Syndrome; Intellectual developmental disorder, autosomal dominant 7. Identifiers: Orphanet 464306, MedGen C5568143, MONDO:0013578, OMIM 614104.

gnomAD v4.1: 1 of 1,609,006 alleles (0.000062%); highest among the groups gnomAD compares: South Asian, 0.0011%; no homozygotes.

Submission:

Labcorp Genetics (formerly Invitae), Labcorp
Classification: Uncertain significance for DYRK1A-related intellectual disability syndrome. Last evaluated: 2025-08-29. Review status: criteria provided, single submitter. Criteria: Invitae Variant Classification Sherloc (09022015). Collection method: clinical testing. Allele origin: germline.
Comment: This sequence change replaces proline, which is neutral and non-polar, with leucine, which is neutral and non-polar, at codon 417 of the DYRK1A protein (p.Pro417Leu). This variant is not present in population databases (gnomAD no frequency). This variant has not been reported in the literature in individuals affected with DYRK1A-related conditions. Invitae Evidence Modeling of protein sequence and biophysical properties (such as structural, functional, and spatial information, amino acid conservation, physicochemical variation, residue mobility, and thermodynamic stability) indicates that this missense variant is not expected to disrupt DYRK1A protein function with a negative predictive value of 95%. In summary, the available evidence is currently insufficient to determine the role of this variant in disease. Therefore, it has been classified as a Variant of Uncertain Significance.